The following is an entry in ClinVar:

ClinVar aggregate classification (germline): Uncertain significance (1 of 4 stars; one submission).

Conditions:
Cardiovascular phenotype. Identifiers: MedGen CN230736.

Submission:

Ambry Genetics
Classification: Uncertain significance for Cardiovascular phenotype. Last evaluated: 2026-01-21. Review status: criteria provided, single submitter. Criteria: Ambry Variant Classification Scheme 2023. Collection method: clinical testing. Allele origin: germline.
Comment: The p.Q590P variant (also known as c.1769A>C), located in coding exon 18 of the EYA4 gene, results from an A to C substitution at nucleotide position 1769. The glutamine at codon 590 is replaced by proline, an amino acid with similar properties. This amino acid position is conserved. In addition, this alteration is predicted to be deleterious by in silico analysis. Based on the available evidence, the clinical significance of this variant remains unclear.

NM_004100.5(EYA4):c.1769A>C (p.Gln590Pro)

Genes: EYA4 (EYA transcriptional coactivator and phosphatase 4; plus strand), TARID (TCF21 antisense RNA inducing promoter demethylation; minus strand). Cytogenetic location: 6q23.2.
Variant type: single nucleotide variant.
Coding change: c.1769A>C on transcript NM_004100.5 (MANE Select); coding-DNA position 1769, A replaced by C.
Protein change: p.Gln590Pro; replaces glutamine 590 with proline.
Molecular consequence: missense variant. On other transcripts: intron variant (3).
Genome position (GRCh38, 1-based): chr6:133,525,184, A>C. VCF-style: chr6-133525184-A-C. GRCh37 (hg19) VCF-style: chr6-133846322-A-C.
Other names: c.1787A>C, p.Gln596Pro (NM_001301013.2); c.1625A>C, p.Gln542Pro (NM_001370459.1); c.1700A>C, p.Gln567Pro (NM_172103.4); c.1839+69A>C (NM_172105.4); c.1770+69A>C (NM_001370458.1); c.1677+69A>C (NM_001301012.2); short protein forms Q590P, Q567P, Q596P, Q542P.
Identifiers: ClinVar variation 4844441 (VCV004844441.1).